The following is an entry in ClinVar:

ClinVar aggregate classification (germline): Pathogenic (1 of 4 stars; one submission).

Conditions:
Congenital factor V deficiency. Also called: OWREN PARAHEMOPHILIA; PARAHEMOPHILIA; Hereditary factor V deficiency disease; LABILE FACTOR DEFICIENCY. Identifiers: Orphanet 326, MedGen C0015499, MONDO:0009210, OMIM 227400.

Submission:

Labcorp Genetics (formerly Invitae), Labcorp
Classification: Pathogenic for Congenital factor V deficiency. Last evaluated: 2023-09-05. Review status: criteria provided, single submitter. Criteria: Invitae Variant Classification Sherloc (09022015). Collection method: clinical testing. Allele origin: germline.
Comment: This sequence change creates a premature translational stop signal (p.Glu1178*) in the F5 gene. It is expected to result in an absent or disrupted protein product. Loss-of-function variants in F5 are known to be pathogenic (PMID: 30924984). For these reasons, this variant has been classified as Pathogenic. This variant has not been reported in the literature in individuals affected with F5-related conditions. This variant is not present in population databases (gnomAD no frequency).

Literature cited by the submitters: PubMed 30924984.

NM_000130.5(F5):c.3532G>T (p.Glu1178Ter)

Gene: F5 (coagulation factor V; minus strand). Cytogenetic location: 1q24.2.
Variant type: single nucleotide variant.
Coding change: c.3532G>T on transcript NM_000130.5 (MANE Select); coding-DNA position 3532, G replaced by T.
Protein change: p.Glu1178Ter; replaces glutamic acid 1178 with a stop codon.
Molecular consequence: nonsense.
Genome position (GRCh38, 1-based): chr1:169,541,558, C>A on the plus strand (G>T on the coding strand, the complement: F5 is on the minus strand). VCF-style: chr1-169541558-C-A. GRCh37 (hg19) VCF-style: chr1-169510796-C-A.
Other names: short protein forms E1178*.
Identifiers: ClinVar variation 2711546 (VCV002711546.3), dbSNP rs1557915380, ClinGen allele CA343148693.
Genomic context (GRCh38, chr1:169,541,558, plus strand): 5'-CTGGAGAGAGGGTCACCTGGCTGAGGTCTGGAGAGATGACTGTCTGCCAGACTTCATGTT[C>A]TGAGGAAGGGGACATTTGACTTATATCTGTGGGGAAGGACTTGTGACTTCGGTCATACTC-3'